The following is an entry in ClinVar:

ClinVar aggregate classification (germline): Uncertain significance (1 of 4 stars; one submission).

Conditions:
Autosomal dominant Parkinson disease 8. Also called: LRRK2-Related Parkinson Disease; Parkinson disease 8; Parkinson disease 8, susceptibility to. Identifiers: Orphanet 411602, MedGen C1846862, MONDO:0011764, OMIM 607060.

Submission:

Labcorp Genetics (formerly Invitae), Labcorp
Classification: Uncertain significance for Autosomal dominant Parkinson disease 8. Last evaluated: 2022-02-07. Review status: criteria provided, single submitter. Criteria: Invitae Variant Classification Sherloc (09022015). Collection method: clinical testing. Allele origin: germline.
Comment: This sequence change replaces aspartic acid, which is acidic and polar, with glutamic acid, which is acidic and polar, at codon 217 of the LRRK2 protein (p.Asp217Glu). This variant is not present in population databases (gnomAD no frequency). This variant has not been reported in the literature in individuals affected with LRRK2-related conditions. Algorithms developed to predict the effect of missense changes on protein structure and function output the following: SIFT: "Tolerated"; PolyPhen-2: "Benign"; Align-GVGD: "Class C0". The glutamic acid amino acid residue is found in multiple mammalian species, which suggests that this missense change does not adversely affect protein function. In summary, the available evidence is currently insufficient to determine the role of this variant in disease. Therefore, it has been classified as a Variant of Uncertain Significance.

NM_198578.4(LRRK2):c.651T>G (p.Asp217Glu)

Gene: LRRK2 (leucine rich repeat kinase 2; plus strand). Cytogenetic location: 12q12.
Variant type: single nucleotide variant.
Coding change: c.651T>G on transcript NM_198578.4 (MANE Select); coding-DNA position 651, T replaced by G.
Protein change: p.Asp217Glu; replaces aspartic acid 217 with glutamic acid.
Molecular consequence: missense variant.
Genome position (GRCh38, 1-based): chr12:40,240,562, T>G. VCF-style: chr12-40240562-T-G. GRCh37 (hg19) VCF-style: chr12-40634364-T-G.
Other names: short protein forms D217E.
Identifiers: ClinVar variation 1948856 (VCV001948856.5), dbSNP rs1018689352, ClinGen allele CA235353250.